The following is an entry in ClinVar:

NM_003640.5(ELP1):c.1735T>C (p.Phe579Leu)

Gene: ELP1 (elongator acetyltransferase complex subunit 1; minus strand). Cytogenetic location: 9q31.3.
Variant type: single nucleotide variant.
Coding change: c.1735T>C on transcript NM_003640.5 (MANE Select); coding-DNA position 1735, T replaced by C.
Protein change: p.Phe579Leu; replaces phenylalanine 579 with leucine.
Molecular consequence: missense variant.
Genome position (GRCh38, 1-based): chr9:108,903,578, A>G on the plus strand (T>C on the coding strand, the complement: ELP1 is on the minus strand). VCF-style: chr9-108903578-A-G. GRCh37 (hg19) VCF-style: chr9-111665858-A-G.
Other names: c.1393T>C, p.Phe465Leu (NM_001318360.2); c.688T>C, p.Phe230Leu (NM_001330749.2); short protein forms F230L, F579L, F465L.
Identifiers: ClinVar variation 964807 (VCV000964807.7), dbSNP rs199555804, ClinGen allele CA5174920.

ClinVar aggregate classification (germline): Conflicting classifications of pathogenicity. Review status: criteria provided, conflicting classifications (1 of 4 stars). 3 submissions from 3 submitters: Uncertain significance (2); Likely benign (1). Last evaluated 2024-10-01.

Conditions:
Medulloblastoma (MDB). Also called: Medulloblastoma, somatic; MEDULLOBLASTOMA PREDISPOSITION SYNDROME. Identifiers: Orphanet 616, MedGen C0025149, MeSH D008527, MONDO:0007959, OMIM 155255, HP:0002885.
Familial dysautonomia. Also called: HSAN III; FD. Identifiers: Orphanet 1764, MedGen C0013364, MONDO:0009131, OMIM 223900. Disease mechanism: loss of function.

Allele frequency attached by ClinVar (database versions not stated): TOPMed 0.00002; 1000 Genomes Project 30x 0.00016; 1000 Genomes Project 0.00020.
gnomAD v4.1: 11 of 1,611,972 alleles (0.00068%); highest among the groups gnomAD compares: East Asian, 0.022%; no homozygotes.

Submissions (3):

Ambry Genetics
Classification: Likely benign. Last evaluated: 2024-10-01. Review status: criteria provided, single submitter. Criteria: Ambry Variant Classification Scheme 2023. Collection method: clinical testing. Allele origin: germline.

Fulgent Genetics
Classification: Uncertain significance for Medulloblastoma; Familial dysautonomia. Last evaluated: 2024-04-10. Review status: criteria provided, single submitter. Criteria: ACMG Guidelines, 2015. Collection method: clinical testing. Allele origin: germline.

Labcorp Genetics (formerly Invitae), Labcorp
Classification: Uncertain significance. Last evaluated: 2022-10-24. Review status: criteria provided, single submitter. Criteria: Invitae Variant Classification Sherloc (09022015). Collection method: clinical testing. Allele origin: germline.
Comment: This sequence change replaces phenylalanine, which is neutral and non-polar, with leucine, which is neutral and non-polar, at codon 579 of the ELP1 protein (p.Phe579Leu). This variant is present in population databases (rs199555804, gnomAD 0.03%). This variant has not been reported in the literature in individuals affected with ELP1-related conditions. ClinVar contains an entry for this variant (Variation ID: 964807). Advanced modeling of protein sequence and biophysical properties (such as structural, functional, and spatial information, amino acid conservation, physicochemical variation, residue mobility, and thermodynamic stability) performed at Invitae indicates that this missense variant is not expected to disrupt ELP1 protein function. In summary, the available evidence is currently insufficient to determine the role of this variant in disease. Therefore, it has been classified as a Variant of Uncertain Significance.